The following is an entry in ClinVar:

ClinVar aggregate classification (germline): Pathogenic. Review status: criteria provided, single submitter (1 of 4 stars). 2 submissions from 2 submitters: Pathogenic (1). 1 of the submissions does not count toward it. Last evaluated 2025-08-17.

Conditions:
Hermansky-Pudlak syndrome (HPS). Also called: ALBINISM WITH HEMORRHAGIC DIATHESIS AND PIGMENTED RETICULOENDOTHELIAL CELLS. Identifiers: Orphanet 79430, MedGen C0079504, MONDO:0019312.
Hermansky-Pudlak syndrome 2 (HPS2). Also called: Platelet defects and oculocutaneous albinism. Identifiers: Orphanet 183678, Orphanet 79430, MedGen C1842362, MONDO:0011997, OMIM 608233.

Submissions (2):

Women's Health and Genetics/Laboratory Corporation of America, LabCorp
Classification: Pathogenic for Hermansky-Pudlak syndrome. Last evaluated: 2025-08-17. Review status: criteria provided, single submitter. Criteria: LabCorp Variant Classification Summary - May 2015. Collection method: clinical testing. Allele origin: germline.
Comment: Variant summary: AP3B1 c.1789dupA (p.Ile597AsnfsX12) results in a premature termination codon, predicted to cause a truncation of the encoded protein or absence of the protein due to nonsense mediated decay, which are commonly known mechanisms for disease. The variant was absent in 251004 control chromosomes. c.1789dupA has been reported in the literature in two compound heterozygous individuals affected with Hermansky-Pudlak Syndrome in one family (Fontana_2006). These data indicate that the variant may be associated with disease. To our knowledge, no experimental evidence demonstrating an impact on protein function has been reported. The following publications have been ascertained in the context of this evaluation (PMID: 31898847, 16507770, 23403622). ClinVar contains an entry for this variant (Variation ID: 1878314). Based on the evidence outlined above, the variant was classified as pathogenic.

Department of Pulmonology, Children’s Hospital, Zhejiang University School of Medicine
Classification: Likely pathogenic for Hermansky-Pudlak syndrome 2. Review status: no assertion criteria provided. Collection method: clinical testing. Allele origin: de novo. Inheritance: Autosomal recessive inheritance. Affected: yes. Observed: 1 heterozygote. Not counted in ClinVar's aggregate classification.

Literature cited by the submitters: PubMed 31898847 (cited by Women's Health and Genetics/Laboratory Corporation of America, LabCorp); PubMed 16507770 (cited by Women's Health and Genetics/Laboratory Corporation of America, LabCorp); PubMed 23403622 (cited by Women's Health and Genetics/Laboratory Corporation of America, LabCorp); DOI 10.1083/jcb.137.4.835 (cited by Department of Pulmonology, Children’s Hospital, Zhejiang University School of Medicine); DOI 10.1126/scisignal.2001 (cited by Department of Pulmonology, Children’s Hospital, Zhejiang University School of Medicine); DOI 10.1126/scisignal.2000475 (cited by Department of Pulmonology, Children’s Hospital, Zhejiang University School of Medicine); DOI 10.1021/ac9004309 (cited by Department of Pulmonology, Children’s Hospital, Zhejiang University School of Medicine); DOI 10.1073/pnas.0805139105 (cited by Department of Pulmonology, Children’s Hospital, Zhejiang University School of Medicine); DOI 10.1021/pr0704130 (cited by Department of Pulmonology, Children’s Hospital, Zhejiang University School of Medicine); DOI 10.1016/j.cell.2006.09.026 (cited by Department of Pulmonology, Children’s Hospital, Zhejiang University School of Medicine); DOI 10.1101/gr.2596504 (cited by Department of Pulmonology, Children’s Hospital, Zhejiang University School of Medicine); DOI 10.1038/nature02919 (cited by Department of Pulmonology, Children’s Hospital, Zhejiang University School of Medicine); DOI 10.1186/1471-2164-8-399 (cited by Department of Pulmonology, Children’s Hospital, Zhejiang University School of Medicine); DOI 10.1074/jbc.272.24.15078 (cited by Department of Pulmonology, Children’s Hospital, Zhejiang University School of Medicine).

NM_003664.5(AP3B1):c.1789dup (p.Ile597fs)

Gene: AP3B1 (adaptor related protein complex 3 subunit beta 1; minus strand). Cytogenetic location: 5q14.1.
Variant type: Duplication.
Coding change: c.1789dup on transcript NM_003664.5 (MANE Select); coding-DNA position 1789, one base duplicated (A; older notation c.1789dupA).
Protein change: p.Ile597fs; shifts the reading frame from isoleucine 597.
Molecular consequence: frameshift variant.
Genome position (GRCh38, 1-based): chr5:78,129,169, T duplicated on the plus strand (A on the coding strand, the reverse complement: AP3B1 is on the minus strand); the first of 7 consecutive T bases (chr5:78,129,169-78,129,175); duplicating any one gives the same sequence. VCF-style (leftmost placement, unchanged base first): chr5-78129168-A-AT. GRCh37 (hg19) VCF-style: chr5-77424992-A-AT.
Other names: c.1642dup, p.Ile548fs (NM_001271769.2); c.1783dup, p.Ile597Asnfs (NM_001410752.1); c.1789dupA (NM_003664.4, NM_003664.5); short protein forms I548fs, I597fs.
Identifiers: ClinVar variation 1878314 (VCV001878314.2), dbSNP rs2531000611, ClinGen allele CA1077790401.